The following is an entry in ClinVar:

ClinVar aggregate classification (germline): Pathogenic (1 of 4 stars; one submission).

Conditions:
Beckwith-Wiedemann syndrome (BWS). Also called: EMG SYNDROME; Exomphalos macroglossia gigantism syndrome. Identifiers: Orphanet 116, MedGen C0004903, MONDO:0007534, OMIM 130650.

Submission:

Labcorp Genetics (formerly Invitae), Labcorp
Classification: Pathogenic for Beckwith-Wiedemann syndrome. Last evaluated: 2023-11-01. Review status: criteria provided, single submitter. Criteria: Invitae Variant Classification Sherloc (09022015). Collection method: clinical testing. Allele origin: germline.
Comment: This sequence change creates a premature translational stop signal (p.Ala110Glyfs*162) in the CDKN1C gene. It is expected to result in an absent or disrupted protein product. Loss-of-function variants in CDKN1C are known to be pathogenic (PMID: 20503313). This variant is not present in population databases (gnomAD no frequency). This variant has not been reported in the literature in individuals affected with CDKN1C-related conditions. For these reasons, this variant has been classified as Pathogenic.

Literature cited by the submitters: PubMed 20503313.

NM_001122630.2(CDKN1C):c.296del (p.Ala99fs)

Gene: CDKN1C (cyclin dependent kinase inhibitor 1C; minus strand). Cytogenetic location: 11p15.4.
Variant type: Deletion.
Coding change: c.296del on transcript NM_001122630.2 (MANE Select); coding-DNA position 296, one base deleted (C; older notation c.296delC).
Protein change: p.Ala99fs; shifts the reading frame from alanine 99.
Molecular consequence: frameshift variant. On other transcripts: intron variant (1).
Genome position (GRCh38, 1-based): chr11:2,885,161, G deleted on the plus strand (C on the coding strand, the reverse complement: CDKN1C is on the minus strand). VCF-style (leftmost placement, unchanged base first): chr11-2885160-CG-C. GRCh37 (hg19) VCF-style: chr11-2906390-CG-C.
Other names: c.255+41del (NM_001362475.2); c.329del, p.Ala110fs (NM_000076.2, NM_001362474.2); c.296del, p.Ala99fs (NM_001122631.2); short protein forms A99fs, A110fs.
Identifiers: ClinVar variation 2773153 (VCV002773153.3), dbSNP rs2494389055, ClinGen allele CA2697548337.